The following is an entry in ClinVar:

NM_020754.4(ARHGAP31):c.3148_3156del (p.Leu1050_His1052del)

Gene: ARHGAP31 (Rho GTPase activating protein 31; plus strand). Cytogenetic location: 3q13.33.
Variant type: Deletion.
Coding change: c.3148_3156del on transcript NM_020754.4 (MANE Select); coding-DNA positions 3148 to 3156, 9 bases deleted (CTGGGGCAC; older notation c.3148_3156delCTGGGGCAC).
Protein change: p.Leu1050_His1052del.
Molecular consequence: inframe deletion.
Genome position (GRCh38, 1-based): chr3:119,415,077-119,415,085, CTGGGGCAC deleted; deleting any 9 consecutive bases within chr3:119,415,074-119,415,085 gives the same sequence; the c. name uses the placement nearest the transcript's 3' end. VCF-style (leftmost placement, unchanged base first): chr3-119415073-ACACCTGGGG-A. GRCh37 (hg19) VCF-style: chr3-119133920-ACACCTGGGG-A.
Other names: c.3148_3156del9 (NM_020754.3); c.3148_3156delCTGGGGCAC (NM_020754.2).
Identifiers: ClinVar variation 2052394 (VCV002052394.8), dbSNP rs777419017, ClinGen allele CA2554152.
Genomic context (GRCh38, chr3:119,415,073, plus strand): 5'-GCAACCCAACCCAGCAGAAACCAGCCCCATCAGCCTAGCAGAGGGAAAGGAGCTAGGGAC[ACACCTGGGG>A]CACAGCAGTCCACAGATTAGGCAAGGTGGTGTTCCTGGGCCAGAGAGCAGCAAGGAGAGT-3'

ClinVar aggregate classification (germline): Conflicting classifications of pathogenicity. Review status: criteria provided, conflicting classifications (1 of 4 stars). 4 submissions from 4 submitters: Uncertain significance (1); Likely benign (2). 1 of the submissions does not count toward it. Last evaluated 2025-07-14.

Conditions:
Inborn genetic diseases. Identifiers: MedGen C0950123, MeSH D030342.
ARHGAP31-related disorder. Also called: ARHGAP31-related condition.

Submissions (4):

Labcorp Genetics (formerly Invitae), Labcorp
Classification: Uncertain significance. Last evaluated: 2025-07-14. Review status: criteria provided, single submitter. Criteria: Invitae Variant Classification Sherloc (09022015). Collection method: clinical testing. Allele origin: germline.
Comment: This variant, c.3148_3156del, results in the deletion of 3 amino acid(s) of the ARHGAP31 protein (p.Leu1050_His1052del), but otherwise preserves the integrity of the reading frame. This variant is present in population databases (rs777419017, gnomAD 0.04%), and has an allele count higher than expected for a pathogenic variant. This variant has not been reported in the literature in individuals affected with ARHGAP31-related conditions. ClinVar contains an entry for this variant (Variation ID: 2052394). Experimental studies and prediction algorithms are not available or were not evaluated, and the functional significance of this variant is currently unknown. In summary, the available evidence is currently insufficient to determine the role of this variant in disease. Therefore, it has been classified as a Variant of Uncertain Significance.

Ambry Genetics
Classification: Likely benign for Inborn genetic diseases. Last evaluated: 2024-09-26. Review status: criteria provided, single submitter. Criteria: Ambry Variant Classification Scheme 2023. Collection method: clinical testing. Allele origin: germline.

Blueprint Genetics
Classification: Likely benign. Last evaluated: 2024-09-20. Review status: criteria provided, single submitter. Criteria: ACMG Guidelines, 2015. Collection method: clinical testing. Allele origin: germline.

PreventionGenetics, part of Exact Sciences
Classification: Uncertain significance for ARHGAP31-related condition. Last evaluated: 2024-08-09. Review status: no assertion criteria provided. Collection method: clinical testing. Allele origin: germline. Not counted in ClinVar's aggregate classification.
Comment: The ARHGAP31 c.3148_3156del9 variant is predicted to result in an in-frame deletion (p.Leu1050_His1052del). To our knowledge, this variant has not been reported in the literature. This variant is reported in 0.044% of alleles in individuals of European (Non-Finnish) descent in gnomAD, which may be too common to be a primary cause of disease. Although we suspect that this variant may be benign, at this time, the clinical significance of this variant is uncertain due to the absence of conclusive functional and genetic evidence.